The following is an entry in ClinVar:

ClinVar aggregate classification (germline): Uncertain significance (1 of 4 stars; one submission).

Conditions:
Pulmonary fibrosis and/or bone marrow failure, Telomere-related, 4. Also called: PULMONARY FIBROSIS AND/OR BONE MARROW FAILURE SYNDROME, TELOMERE-RELATED, 4. Identifiers: Orphanet 2032, MedGen C4225347, MONDO:0014612, OMIM 616371.
Dyskeratosis congenita, autosomal recessive 6 (DKCB6). Identifiers: MedGen C4225356, MONDO:0014600, OMIM 616353.

gnomAD v4.1: 1 of 1,597,054 alleles (0.000063%); highest among the groups gnomAD compares: African/African-American, 0.0013%; no homozygotes.

Submission:

Labcorp Genetics (formerly Invitae), Labcorp
Classification: Uncertain significance for Dyskeratosis congenita, autosomal recessive 6; Pulmonary fibrosis and/or bone marrow failure, Telomere-related, 4. Last evaluated: 2025-03-24. Review status: criteria provided, single submitter. Criteria: Invitae Variant Classification Sherloc (09022015). Collection method: clinical testing. Allele origin: germline.
Comment: This sequence change falls in intron 16 of the PARN gene. It does not directly change the encoded amino acid sequence of the PARN protein. It affects a nucleotide within the consensus splice site. This variant is not present in population databases (gnomAD no frequency). This variant has not been reported in the literature in individuals affected with PARN-related conditions. Variants that disrupt the consensus splice site are a relatively common cause of aberrant splicing (PMID: 17576681, 9536098). Algorithms developed to predict the effect of sequence changes on RNA splicing suggest that this variant is not likely to affect RNA splicing. In summary, the available evidence is currently insufficient to determine the role of this variant in disease. Therefore, it has been classified as a Variant of Uncertain Significance.

Literature cited by the submitters: PubMed 17576681; PubMed 9536098.

NM_002582.4(PARN):c.1081+6A>C

Gene: PARN (poly(A)-specific ribonuclease; minus strand). Cytogenetic location: 16p13.12.
Variant type: single nucleotide variant.
Coding change: c.1081+6A>C on transcript NM_002582.4 (MANE Select); 6 bases into the intron after coding-DNA position 1081, A replaced by C.
Molecular consequence: intron variant.
Genome position (GRCh38, 1-based): chr16:14,584,341, T>G on the plus strand (A>C on the coding strand, the complement: PARN is on the minus strand). VCF-style: chr16-14584341-T-G. GRCh37 (hg19) VCF-style: chr16-14678198-T-G.
Other names: c.898+6A>C (NM_001134477.3); c.943+6A>C (NM_001242992.2).
Identifiers: ClinVar variation 4791625 (VCV004791625.1).
Genomic context (GRCh38, chr16:14,584,341, plus strand): 5'-TCTTCTACAATATACATCAATAATTATTACAAAGAGTTTGGAGGGTTTCCGGTTTAATAT[T>G]CTTACCAACTTTAGGAGGGTTGAAAGGTGTCTCTTTTAACCGCTTTTCCAATTCCGCAAG-3'